The following is an entry in ClinVar:

NM_001382567.1(STIM1):c.1856A>G (p.His619Arg)

Genes: STIM1 (stromal interaction molecule 1; plus strand), LOC124418421 (Sharpr-MPRA regulatory region 9588; plus strand). Cytogenetic location: 11p15.4.
Variant type: single nucleotide variant.
Coding change: c.1856A>G on transcript NM_001382567.1 (MANE Select); coding-DNA position 1856, A replaced by G.
Protein change: p.His619Arg; replaces histidine 619 with arginine.
Molecular consequence: missense variant. On other transcripts: 3 prime UTR variant (4), non-coding transcript variant (3).
Genome position (GRCh38, 1-based): chr11:4,091,503, A>G. VCF-style: chr11-4091503-A-G. GRCh37 (hg19) VCF-style: chr11-4112733-A-G.
Other names: c.2081A>G, p.His694Arg (NM_001277961.3); c.*177A>G (NM_001277962.2, NM_001382578.1, NM_001382579.1 and 1 more transcripts); c.1859A>G, p.His620Arg (NM_001382566.1); c.1784A>G, p.His595Arg (NM_001382568.1); c.1628A>G, p.His543Arg (NM_001382569.1); c.1535A>G, p.His512Arg (NM_001382570.1); c.1283A>G, p.His428Arg (NM_001382571.1); c.1541A>G, p.His514Arg (NM_001382575.1, NM_001382576.1, NM_001382577.1); and 2 more; short protein forms H588R, H694R, H425R, H428R, H512R, H514R, H543R, H595R.
Identifiers: ClinVar variation 461725 (VCV000461725.24), dbSNP rs1176059435, ClinGen allele CA379197283.

ClinVar aggregate classification (germline): Uncertain significance. Review status: criteria provided, multiple submitters, no conflicts (2 of 4 stars). 3 submissions from 3 submitters: Uncertain significance (3). Last evaluated 2026-07-29.

Conditions:
STIM1-related disorder. Also called: STIM1-related condition.
Stormorken syndrome (STRMK). Also called: THROMBOCYTOPATHY, ASPLENIA, AND MIOSIS. Identifiers: Orphanet 3204, MedGen C1861451, MONDO:0008497, OMIM 185070.
Myopathy with tubular aggregates (TAM). Also called: Tubular Aggregate Myopathy. Identifiers: Orphanet 2593, MedGen C0410207, MONDO:0008051.
Combined immunodeficiency due to STIM1 deficiency. Also called: STIM1 DEFICIENCY; IMMUNODEFICIENCY 10. Identifiers: Orphanet 169090, Orphanet 317430, MedGen C2748557, MONDO:0013008, OMIM 612783.

Allele frequency attached by ClinVar (database versions not stated): TOPMed 0.00001; gnomAD exomes 0.00002; gnomAD 0.00003.
gnomAD v4.1: 28 of 1,614,052 alleles (0.0017%); highest among the groups gnomAD compares: Non-Finnish European, 0.0021%; no homozygotes.

Submissions (3):

PreventionGenetics, part of Exact Sciences
Classification: Uncertain significance for STIM1-related condition. Last evaluated: 2026-07-29. Review status: criteria provided, single submitter. Criteria: ACMG Guidelines, 2015. Collection method: clinical testing. Allele origin: germline.
Comment: The STIM1 c.1763A>G variant is predicted to result in the amino acid substitution p.His588Arg. To our knowledge, this variant has not been reported in the literature. This variant is reported in 0.0062% of alleles in individuals of European (Non-Finnish) descent in gnomAD. At this time, the clinical significance of this variant is uncertain due to the absence of conclusive functional and genetic evidence.

Labcorp Genetics (formerly Invitae), Labcorp
Classification: Uncertain significance for Myopathy with tubular aggregates; Combined immunodeficiency due to STIM1 deficiency; Stormorken syndrome. Last evaluated: 2025-07-27. Review status: criteria provided, single submitter. Criteria: Invitae Variant Classification Sherloc (09022015). Collection method: clinical testing. Allele origin: germline.
Comment: This sequence change replaces histidine, which is basic and polar, with arginine, which is basic and polar, at codon 588 of the STIM1 protein (p.His588Arg). This variant is present in population databases (no rsID available, gnomAD 0.006%). This variant has not been reported in the literature in individuals affected with STIM1-related conditions. ClinVar contains an entry for this variant (Variation ID: 461725). Invitae Evidence Modeling of protein sequence and biophysical properties (such as structural, functional, and spatial information, amino acid conservation, physicochemical variation, residue mobility, and thermodynamic stability) indicates that this missense variant is not expected to disrupt STIM1 protein function with a negative predictive value of 95%. In summary, the available evidence is currently insufficient to determine the role of this variant in disease. Therefore, it has been classified as a Variant of Uncertain Significance.

CeGaT Center for Human Genetics Tuebingen
Classification: Uncertain significance. Last evaluated: 2024-11-01. Review status: criteria provided, single submitter. Criteria: CeGaT Center For Human Genetics Tuebingen Variant Classification Criteria Version 2. Collection method: clinical testing. Allele origin: germline. Affected: yes. Observed: 1 variant allele.